The following is an entry in ClinVar:

ClinVar aggregate classification (germline): Uncertain significance (1 of 4 stars; one submission).

Submission:

CeGaT Center for Human Genetics Tuebingen
Classification: Uncertain significance. Last evaluated: 2025-05-01. Review status: criteria provided, single submitter. Criteria: CeGaT Center For Human Genetics Tuebingen Variant Classification Criteria Version 2. Collection method: clinical testing. Allele origin: germline. Affected: yes. Observed: 1 variant allele.
Comment: TTN: PM2

NM_001267550.2(TTN):c.81422T>G (p.Leu27141Arg)

Genes: TTN (titin; minus strand), TTN-AS1 (TTN antisense RNA 1; plus strand). Cytogenetic location: 2q31.2.
Variant type: single nucleotide variant.
Coding change: c.81422T>G on transcript NM_001267550.2 (MANE Select); coding-DNA position 81422, T replaced by G.
Protein change: p.Leu27141Arg; replaces leucine 27141 with arginine.
Molecular consequence: missense variant.
Genome position (GRCh38, 1-based): chr2:178,564,710, A>C on the plus strand (T>G on the coding strand, the complement: TTN is on the minus strand). VCF-style: chr2-178564710-A-C. GRCh37 (hg19) VCF-style: chr2-179429437-A-C.
Other names: c.76499T>G, p.Leu25500Arg (NM_001256850.1); c.54227T>G, p.Leu18076Arg (NM_003319.4); c.73718T>G, p.Leu24573Arg (NM_133378.4); c.54602T>G, p.Leu18201Arg (NM_133432.3); c.54803T>G, p.Leu18268Arg (NM_133437.4); short protein forms L18076R, L18201R, L18268R, L24573R, L25500R, L27141R.
Identifiers: ClinVar variation 3905385 (VCV003905385.10).